The following is an entry in ClinVar:

NM_000049.4(ASPA):c.884T>C (p.Phe295Ser)

Genes: ASPA (aspartoacylase; plus strand), SPATA22 (spermatogenesis associated 22; minus strand). Cytogenetic location: 17p13.2.
Variant type: single nucleotide variant.
Coding change: c.884T>C on transcript NM_000049.4 (MANE Select); coding-DNA position 884, T replaced by C.
Protein change: p.Phe295Ser; replaces phenylalanine 295 with serine.
Molecular consequence: missense variant. On other transcripts: intron variant (2).
Genome position (GRCh38, 1-based): chr17:3,499,030, T>C. VCF-style: chr17-3499030-T-C. GRCh37 (hg19) VCF-style: chr17-3402324-T-C.
Other names: c.884T>C, p.Phe295Ser (NM_001128085.1); c.-74+14382A>G (NM_001321336.2, NM_001321337.2); short protein forms F295S.
Identifiers: ClinVar variation 2446707 (VCV002446707.1), dbSNP rs2543658214, ClinGen allele CA397687967.

ClinVar aggregate classification (germline): Pathogenic/Likely pathogenic. Review status: criteria provided, multiple submitters, no conflicts (2 of 4 stars). 2 submissions from 2 submitters: Pathogenic (1); Likely pathogenic (1). Last evaluated 2025-03-27.

Conditions:
Spongy degeneration of central nervous system. Also called: ACY2 DEFICIENCY; AMINOACYLASE 2 DEFICIENCY; ASP DEFICIENCY; ASPA DEFICIENCY; ASPARTOACYLASE DEFICIENCY; CANAVAN-VAN BOGAERT-BERTRAND DISEASE. Identifiers: Orphanet 141, MedGen C0206307, MONDO:0010079, OMIM 271900.

Submissions (2):

Labcorp Genetics (formerly Invitae), Labcorp
Classification: Pathogenic for Spongy degeneration of central nervous system. Last evaluated: 2025-03-27. Review status: criteria provided, single submitter. Criteria: Invitae Variant Classification Sherloc (09022015). Collection method: clinical testing. Allele origin: germline.
Comment: This sequence change replaces phenylalanine, which is neutral and non-polar, with serine, which is neutral and polar, at codon 295 of the ASPA protein (p.Phe295Ser). This variant is not present in population databases (gnomAD no frequency). This missense change has been observed in individual(s) with Canavan disease (PMID: 16138249). It has also been observed to segregate with disease in related individuals. ClinVar contains an entry for this variant (Variation ID: 2446707). Invitae Evidence Modeling of protein sequence and biophysical properties (such as structural, functional, and spatial information, amino acid conservation, physicochemical variation, residue mobility, and thermodynamic stability) indicates that this missense variant is expected to disrupt ASPA protein function with a positive predictive value of 95%. Experimental studies have shown that this missense change affects ASPA function (PMID: 22750302). For these reasons, this variant has been classified as Pathogenic.

Institute of Medical Genetics and Applied Genomics, University Hospital Tübingen
Classification: Likely pathogenic for Spongy degeneration of central nervous system. Last evaluated: 2023-04-05. Review status: criteria provided, single submitter. Criteria: ACMG Guidelines, 2015. Collection method: clinical testing. Allele origin: germline. Inheritance: Autosomal recessive inheritance. Affected: yes.

Literature cited by the submitters: PubMed 16138249 (cited by Labcorp Genetics (formerly Invitae), Labcorp); PubMed 22750302 (cited by Labcorp Genetics (formerly Invitae), Labcorp).